The following is an entry in ClinVar:

ClinVar aggregate classification (germline): Uncertain significance. Review status: criteria provided, multiple submitters, no conflicts (2 of 4 stars). 2 submissions from 2 submitters: Uncertain significance (2). Last evaluated 2024-08-01.

Allele frequency attached by ClinVar (database versions not stated): gnomAD 0.00003; TOPMed 0.00005; ExAC 0.00002; gnomAD exomes 0.00001.
gnomAD v4.1: 21 of 1,613,564 alleles (0.0013%); highest among the groups gnomAD compares: African/African-American, 0.004%; no homozygotes.

Submissions (2):

Ambry Genetics
Classification: Uncertain significance. Last evaluated: 2024-08-01. Review status: criteria provided, single submitter. Criteria: Ambry Variant Classification Scheme 2023. Collection method: clinical testing. Allele origin: germline.

Labcorp Genetics (formerly Invitae), Labcorp
Classification: Uncertain significance. Last evaluated: 2021-09-24. Review status: criteria provided, single submitter. Criteria: Invitae Variant Classification Sherloc (09022015). Collection method: clinical testing. Allele origin: germline.
Comment: This sequence change replaces arginine with glutamine at codon 43 of the LOXL3 protein (p.Arg43Gln). The arginine residue is highly conserved and there is a small physicochemical difference between arginine and glutamine. This variant is present in population databases (rs765433257, ExAC 0.01%). This variant has not been reported in the literature in individuals with LOXL3-related conditions. Algorithms developed to predict the effect of missense changes on protein structure and function are either unavailable or do not agree on the potential impact of this missense change (SIFT: "Deleterious"; PolyPhen-2: "Benign"; Align-GVGD: "Class C0"). In summary, the available evidence is currently insufficient to determine the role of this variant in disease. Therefore, it has been classified as a Variant of Uncertain Significance.

NM_032603.5(LOXL3):c.128G>A (p.Arg43Gln)

Genes: DOK1 (docking protein 1; plus strand), LOXL3 (lysyl oxidase like 3; minus strand). Cytogenetic location: 2p13.1.
Variant type: single nucleotide variant.
Coding change: c.128G>A on transcript NM_032603.5 (MANE Select); coding-DNA position 128, G replaced by A.
Protein change: p.Arg43Gln; replaces arginine 43 with glutamine.
Molecular consequence: missense variant. On other transcripts: intron variant (1).
Genome position (GRCh38, 1-based): chr2:74,552,507, C>T on the plus strand (G>A on the coding strand, the complement: LOXL3 is on the minus strand). VCF-style: chr2-74552507-C-T. GRCh37 (hg19) VCF-style: chr2-74779634-C-T.
Other names: c.128G>A, p.Arg43Gln (NM_001289164.3); c.-357-2647C>T (NM_001197260.2); short protein forms R43Q.
Identifiers: ClinVar variation 1435221 (VCV001435221.7), dbSNP rs765433257, ClinGen allele CA1729254.